The following is an entry in ClinVar:

NM_000051.4(ATM):c.4544A>G (p.Asn1515Ser)

Gene: ATM (ATM serine/threonine kinase; plus strand). Cytogenetic location: 11q22.3.
Variant type: single nucleotide variant.
Coding change: c.4544A>G on transcript NM_000051.4 (MANE Select); coding-DNA position 4544, A replaced by G.
Protein change: p.Asn1515Ser; replaces asparagine 1515 with serine.
Molecular consequence: missense variant.
Genome position (GRCh38, 1-based): chr11:108,292,726, A>G. VCF-style: chr11-108292726-A-G. GRCh37 (hg19) VCF-style: chr11-108163453-A-G.
Other names: c.4544A>G, p.Asn1515Ser (NM_001351834.2); short protein forms N1515S.
Identifiers: ClinVar variation 1514277 (VCV001514277.10), dbSNP rs1565461414, ClinGen allele CA382533783.

ClinVar aggregate classification (germline): Conflicting classifications of pathogenicity. Review status: criteria provided, conflicting classifications (1 of 4 stars). 2 submissions from 2 submitters: Uncertain significance (1); Likely benign (1). Last evaluated 2025-11-05.

Conditions:
Ataxia-telangiectasia syndrome (AT). Also called: Cerebello-oculocutaneous telangiectasia; Immunodeficiency with ataxia telangiectasia; ATAXIA-TELANGIECTASIA, COMPLEMENTATION GROUP A; ATAXIA-TELANGIECTASIA, FRESNO VARIANT; Ataxia-telangiectasia, complementation group E; LOUIS-BAR SYNDROME. Identifiers: Orphanet 100, MedGen C0004135, MONDO:0008840, OMIM 208900.
Hereditary cancer-predisposing syndrome. Also called: Neoplastic Syndromes, Hereditary; Hereditary Cancer Syndrome; Tumor predisposition; Hereditary neoplastic syndrome. Identifiers: Orphanet 140162, MedGen C0027672, MeSH D009386, MONDO:0015356.

Allele frequency attached by ClinVar (database versions not stated): gnomAD exomes below 0.00001.
gnomAD v4.1: 2 of 1,613,928 alleles (0.00012%); highest among the groups gnomAD compares: Non-Finnish European, 0.00017%; no homozygotes.

Submissions (2):

Labcorp Genetics (formerly Invitae), Labcorp
Classification: Uncertain significance for Ataxia-telangiectasia syndrome. Last evaluated: 2025-11-05. Review status: criteria provided, single submitter. Criteria: Invitae Variant Classification Sherloc (09022015). Collection method: clinical testing. Allele origin: germline.
Comment: This sequence change replaces asparagine, which is neutral and polar, with serine, which is neutral and polar, at codon 1515 of the ATM protein (p.Asn1515Ser). This variant is not present in population databases (gnomAD no frequency). This variant has not been reported in the literature in individuals affected with ATM-related conditions. ClinVar contains an entry for this variant (Variation ID: 1514277). Invitae Evidence Modeling of protein sequence and biophysical properties (such as structural, functional, and spatial information, amino acid conservation, physicochemical variation, residue mobility, and thermodynamic stability) indicates that this missense variant is not expected to disrupt ATM protein function with a negative predictive value of 95%. In summary, the available evidence is currently insufficient to determine the role of this variant in disease. Therefore, it has been classified as a Variant of Uncertain Significance.

Ambry Genetics
Classification: Likely benign for Hereditary cancer-predisposing syndrome. Last evaluated: 2020-09-21. Review status: criteria provided, single submitter. Criteria: Ambry Variant Classification Scheme 2023. Collection method: clinical testing. Allele origin: germline.